The following is an entry in ClinVar:

ClinVar aggregate classification (germline): Uncertain significance. Review status: criteria provided, multiple submitters, no conflicts (2 of 4 stars). 2 submissions from 2 submitters: Uncertain significance (2). Last evaluated 2025-07-02.

Conditions:
Oligodontia-cancer predisposition syndrome. Also called: TOOTH AGENESIS-COLORECTAL CANCER SYNDROME. Identifiers: Orphanet 300576, MedGen C1837750, MONDO:0012075, OMIM 608615. Disease mechanism: loss of function.
Hereditary cancer-predisposing syndrome. Also called: Neoplastic Syndromes, Hereditary; Tumor predisposition; Hereditary neoplastic syndrome; Hereditary Cancer Syndrome. Identifiers: Orphanet 140162, MedGen C0027672, MeSH D009386, MONDO:0015356.

Allele frequency attached by ClinVar (database versions not stated): ExAC below 0.00001; gnomAD 0.00001; TOPMed 0.00001.
gnomAD v4.1: 3 of 1,578,020 alleles (0.00019%); highest among the groups gnomAD compares: African/African-American, 0.0013%; no homozygotes.

Submissions (2):

Labcorp Genetics (formerly Invitae), Labcorp
Classification: Uncertain significance for Oligodontia-cancer predisposition syndrome. Last evaluated: 2025-07-02. Review status: criteria provided, single submitter. Criteria: Invitae Variant Classification Sherloc (09022015). Collection method: clinical testing. Allele origin: germline.
Comment: This sequence change replaces serine, which is neutral and polar, with phenylalanine, which is neutral and non-polar, at codon 464 of the AXIN2 protein (p.Ser464Phe). This variant is not present in population databases (gnomAD no frequency). This variant has not been reported in the literature in individuals affected with AXIN2-related conditions. ClinVar contains an entry for this variant (Variation ID: 567170). Invitae Evidence Modeling of protein sequence and biophysical properties (such as structural, functional, and spatial information, amino acid conservation, physicochemical variation, residue mobility, and thermodynamic stability) indicates that this missense variant is expected to disrupt AXIN2 protein function with a positive predictive value of 80%. In summary, the available evidence is currently insufficient to determine the role of this variant in disease. Therefore, it has been classified as a Variant of Uncertain Significance.

Ambry Genetics
Classification: Uncertain significance for Hereditary cancer-predisposing syndrome. Last evaluated: 2024-11-09. Review status: criteria provided, single submitter. Criteria: Ambry Variant Classification Scheme 2023. Collection method: clinical testing. Allele origin: germline.
Comment: The p.S464F variant (also known as c.1391C>T), located in coding exon 5 of the AXIN2 gene, results from a C to T substitution at nucleotide position 1391. The serine at codon 464 is replaced by phenylalanine, an amino acid with highly dissimilar properties. This amino acid position is not well conserved in available vertebrate species. In addition, this alteration is predicted to be tolerated by in silico analysis. Since supporting evidence is limited at this time, the clinical significance of this alteration remains unclear.

NM_004655.4(AXIN2):c.1391C>T (p.Ser464Phe)

Gene: AXIN2 (axin 2; minus strand). Cytogenetic location: 17q24.1.
Variant type: single nucleotide variant.
Coding change: c.1391C>T on transcript NM_004655.4 (MANE Select); coding-DNA position 1391, C replaced by T.
Protein change: p.Ser464Phe; replaces serine 464 with phenylalanine.
Molecular consequence: missense variant.
Genome position (GRCh38, 1-based): chr17:65,537,645, G>A on the plus strand (C>T on the coding strand, the complement: AXIN2 is on the minus strand). VCF-style: chr17-65537645-G-A. GRCh37 (hg19) VCF-style: chr17-63533763-G-A.
Other names: c.1391C>T (LRG_296t1); c.1391C>T, p.Ser464Phe (NM_001363813.1); short protein forms S464F.
Identifiers: ClinVar variation 567170 (VCV000567170.11), dbSNP rs777283610, ClinGen allele CA8718660.